The following is an entry in ClinVar:

NM_001042492.3(NF1):c.4813A>T (p.Ile1605Phe)

Gene: NF1 (neurofibromin 1; plus strand). Cytogenetic location: 17q11.2.
Variant type: single nucleotide variant.
Coding change: c.4813A>T on transcript NM_001042492.3 (MANE Select); coding-DNA position 4813, A replaced by T.
Protein change: p.Ile1605Phe; replaces isoleucine 1605 with phenylalanine.
Molecular consequence: missense variant.
Genome position (GRCh38, 1-based): chr17:31,265,317, A>T. VCF-style: chr17-31265317-A-T. GRCh37 (hg19) VCF-style: chr17-29592335-A-T.
Other names: c.4750A>T, p.Ile1584Phe (NM_000267.4); short protein forms I1605F, I1584F.
Identifiers: ClinVar variation 825145 (VCV000825145.4), dbSNP rs199474766, ClinGen allele CA399001345.

ClinVar aggregate classification (germline): Uncertain significance (1 of 4 stars; one submission).

Conditions:
Hereditary cancer-predisposing syndrome. Also called: Neoplastic Syndromes, Hereditary; Tumor predisposition; Hereditary neoplastic syndrome; Hereditary Cancer Syndrome. Identifiers: Orphanet 140162, MedGen C0027672, MeSH D009386, MONDO:0015356.
Cardiovascular phenotype. Identifiers: MedGen CN230736.

Submission:

Ambry Genetics
Classification: Uncertain significance for Cardiovascular phenotype; Hereditary cancer-predisposing syndrome. Last evaluated: 2019-09-24. Review status: criteria provided, single submitter. Criteria: Ambry Variant Classification Scheme 2023. Collection method: clinical testing. Allele origin: germline.
Comment: The p.I1584F variant (also known as c.4750A>T), located in coding exon 35 of the NF1 gene, results from an A to T substitution at nucleotide position 4750. The isoleucine at codon 1584 is replaced by phenylalanine, an amino acid with highly similar properties. This amino acid position is poorly conserved in available vertebrate species. In addition, the in silico prediction for this alteration is inconclusive. Since supporting evidence is limited at this time, the clinical significance of this alteration remains unclear.